The following is an entry in ClinVar:

NM_001231.5(CASQ1):c.365-20_365-19delinsAA

Gene: CASQ1 (calsequestrin 1; plus strand). Cytogenetic location: 1q23.2.
Variant type: Indel.
Coding change: c.365-20_365-19delinsAA on transcript NM_001231.5 (MANE Select); 20 bases into the intron before coding-DNA position 365 through 19 bases into the intron before coding-DNA position 365, GC replaced by AA.
Molecular consequence: intron variant.
Genome position (GRCh38, 1-based): chr1:160,193,727-160,193,728, GC replaced by AA. VCF-style: chr1-160193727-GC-AA. GRCh37 (hg19) VCF-style: chr1-160163517-GC-AA.
Identifiers: ClinVar variation 1508598 (VCV001508598.7), dbSNP rs2101672500, ClinGen allele CA2573131159.

ClinVar aggregate classification (germline): Conflicting classifications of pathogenicity. Review status: criteria provided, conflicting classifications (1 of 4 stars). 2 submissions from 2 submitters: Uncertain significance (1); Likely benign (1). Last evaluated 2024-12-06.

Submissions (2):

Labcorp Genetics (formerly Invitae), Labcorp
Classification: Uncertain significance. Last evaluated: 2024-12-06. Review status: criteria provided, single submitter. Criteria: Invitae Variant Classification Sherloc (09022015). Collection method: clinical testing. Allele origin: germline.
Comment: This sequence change falls in intron 2 of the CASQ1 gene. It does not directly change the encoded amino acid sequence of the CASQ1 protein. Information on the frequency of this variant in the gnomAD database is not available, as this variant may be reported differently in the database. This variant has not been reported in the literature in individuals affected with CASQ1-related conditions. ClinVar contains an entry for this variant (Variation ID: 1508598). In summary, the available evidence is currently insufficient to determine the role of this variant in disease. Therefore, it has been classified as a Variant of Uncertain Significance.

Women's Health and Genetics/Laboratory Corporation of America, LabCorp
Classification: Likely benign. Last evaluated: 2024-05-13. Review status: criteria provided, single submitter. Criteria: LabCorp Variant Classification Summary - May 2015. Collection method: clinical testing. Allele origin: germline.
Comment: Variant summary: CASQ1 c.365-20_365-19delinsAA alters two nucleotides located at a position not widely known to affect splicing. Consensus agreement among computation tools predict no significant impact on normal splicing. However, these predictions have yet to be confirmed by functional studies. Since this variant affects two neighboring nucleotides (c.365-20G>A and c.365-19C>A), the allele frequency of the complex could not be determined from population databases. However, the allele numbers, subpopulation frequencies, gender distribution and available age- and read data in carriers for the component variants suggests that these neighboring nucleotide changes are on the same haplotype in most carriers. Therefore, the complex variant allele is likely found at similar frequency to its component variants, i.e. ~3.2e-05 in 1419772 control chromosomes (i.e. ~45 carriers in the gnomAD database, v4.1 dataset). To our knowledge, no occurrence of c.365-20_365-19delinsAA in individuals affected with Myopathy Due To Calsequestrin And SERCA1 Protein Overload and no experimental evidence demonstrating its impact on protein function have been reported. ClinVar contains an entry for this variant (Variation ID: 1508598). Based on the evidence outlined above, the variant was classified as likely benign.